The following is an entry in ClinVar:

ClinVar aggregate classification (germline): Uncertain significance. Review status: criteria provided, multiple submitters, no conflicts (2 of 4 stars). 2 submissions from 2 submitters: Uncertain significance (2). Last evaluated 2024-02-05.

Conditions:
Arrhythmogenic cardiomyopathy with wooly hair and keratoderma. Also called: PALMOPLANTAR KERATODERMA WITH LEFT VENTRICULAR CARDIOMYOPATHY AND WOOLLY HAIR; Carvajal syndrome; Dilated cardiomyopathy with woolly hair and keratoderma; Arrhythmogenic cardiomyopathy with woolly hair and keratoderma. Identifiers: Orphanet 65282, MedGen C1854063, MONDO:0011581, OMIM 605676.
Arrhythmogenic right ventricular dysplasia 8 (ARVD8). Also called: Arrhythmogenic Right Ventricular Dysplasia/Cardiomyopathy 8; ARRHYTHMOGENIC RIGHT VENTRICULAR DYSPLASIA, FAMILIAL, 8; ARRHYTHMOGENIC RIGHT VENTRICULAR CARDIOMYOPATHY 8. Identifiers: MedGen C1843896, MONDO:0011831, OMIM 607450.
Cardiomyopathy (CMYO). Also called: Cardiomyopathies. Identifiers: Orphanet 167848, MedGen C0878544, MONDO:0004994, HP:0001638. Inheritance: Various modes of inheritance.

Allele frequency attached by ClinVar (database versions not stated): gnomAD exomes below 0.00001.
gnomAD v4.1: 1 of 1,614,152 alleles (0.000062%); highest among the groups gnomAD compares: Non-Finnish European, 0.000085%; no homozygotes.

Submissions (2):

Color Diagnostics, LLC DBA Color Health
Classification: Uncertain significance for Cardiomyopathy. Last evaluated: 2024-02-05. Review status: criteria provided, single submitter. Criteria: ACMG Guidelines, 2015. Collection method: clinical testing. Allele origin: germline.
Comment: This missense variant replaces isoleucine with valine at codon 2040 of the DSP protein. Computational prediction suggests that this variant may not impact protein structure and function (internally defined REVEL score threshold <= 0.5, PMID: 27666373). To our knowledge, functional studies have not been reported for this variant. This variant has not been reported in individuals affected with DSP-related disorders in the literature. This variant has not been identified in the general population by the Genome Aggregation Database (gnomAD). The available evidence is insufficient to determine the role of this variant in disease conclusively. Therefore, this variant is classified as a Variant of Uncertain Significance.

Labcorp Genetics (formerly Invitae), Labcorp
Classification: Uncertain significance for Arrhythmogenic cardiomyopathy with wooly hair and keratoderma; Arrhythmogenic right ventricular dysplasia 8. Last evaluated: 2023-08-28. Review status: criteria provided, single submitter. Criteria: Invitae Variant Classification Sherloc (09022015). Collection method: clinical testing. Allele origin: germline.
Comment: This sequence change replaces isoleucine, which is neutral and non-polar, with valine, which is neutral and non-polar, at codon 2040 of the DSP protein (p.Ile2040Val). This variant is not present in population databases (gnomAD no frequency). This variant has not been reported in the literature in individuals affected with DSP-related conditions. An algorithm developed to predict the effect of missense changes on protein structure and function (PolyPhen-2) suggests that this variant is likely to be tolerated. In summary, the available evidence is currently insufficient to determine the role of this variant in disease. Therefore, it has been classified as a Variant of Uncertain Significance.

NM_004415.4(DSP):c.6118A>G (p.Ile2040Val)

Gene: DSP (desmoplakin; plus strand). Cytogenetic location: 6p24.3.
Variant type: single nucleotide variant.
Coding change: c.6118A>G on transcript NM_004415.4 (MANE Select); coding-DNA position 6118, A replaced by G.
Protein change: p.Ile2040Val; replaces isoleucine 2040 with valine.
Molecular consequence: missense variant.
Genome position (GRCh38, 1-based): chr6:7,583,380, A>G. VCF-style: chr6-7583380-A-G. GRCh37 (hg19) VCF-style: chr6-7583613-A-G.
Other names: c.4321A>G, p.Ile1441Val (NM_001008844.3); c.4789A>G, p.Ile1597Val (NM_001319034.2); short protein forms I1441V, I2040V, I1597V.
Identifiers: ClinVar variation 2950732 (VCV002950732.4), dbSNP rs2533939396, ClinGen allele CA362690117.